The following is an entry in ClinVar:

NM_005518.4(HMGCS2):c.1488C>T (p.Asp496=)

Gene: HMGCS2 (3-hydroxy-3-methylglutaryl-CoA synthase 2; minus strand). Cytogenetic location: 1p12.
Variant type: single nucleotide variant.
Coding change: c.1488C>T on transcript NM_005518.4 (MANE Select); coding-DNA position 1488, C replaced by T.
Protein change: p.Asp496=; no amino-acid change (aspartic acid 496 retained).
Molecular consequence: synonymous variant.
Genome position (GRCh38, 1-based): chr1:119,750,841, G>A on the plus strand (C>T on the coding strand, the complement: HMGCS2 is on the minus strand). VCF-style: chr1-119750841-G-A. GRCh37 (hg19) VCF-style: chr1-120293464-G-A.
Other names: c.1362C>T, p.Asp454= (NM_001166107.1).
Identifiers: ClinVar variation 3049759 (VCV003049759.2), dbSNP rs1189946297, ClinGen allele CA420020177.

ClinVar aggregate classification (germline): Likely benign (0 of 4 stars; one submission).

Conditions:
HMGCS2-related disorder. Also called: HMGCS2-related condition.

Allele frequency attached by ClinVar (database versions not stated): TOPMed below 0.00001; gnomAD exomes 0.00001.
gnomAD v4.1: 9 of 1,613,948 alleles (0.00056%); highest among the groups gnomAD compares: South Asian, 0.0022%; no homozygotes.

Submission:

PreventionGenetics, part of Exact Sciences
Classification: Likely benign for HMGCS2-related condition. Last evaluated: 2019-07-16. Review status: no assertion criteria provided. Collection method: clinical testing. Allele origin: germline.
Comment: This variant is classified as likely benign based on ACMG/AMP sequence variant interpretation guidelines (Richards et al. 2015 PMID: 25741868, with internal and published modifications).